The following is an entry in ClinVar:

ClinVar aggregate classification (germline): Conflicting classifications of pathogenicity. Review status: criteria provided, conflicting classifications (1 of 4 stars). 3 submissions from 3 submitters: Uncertain significance (2); Likely benign (1). Last evaluated 2023-03-23.

Conditions:
Hereditary cancer-predisposing syndrome. Also called: Hereditary neoplastic syndrome; Tumor predisposition; Hereditary Cancer Syndrome; Neoplastic Syndromes, Hereditary. Identifiers: Orphanet 140162, MedGen C0027672, MeSH D009386, MONDO:0015356.

Submissions (3):

University of Washington Department of Laboratory Medicine, University of Washington
Classification: Likely benign for Hereditary cancer-predisposing syndrome. Last evaluated: 2023-03-23. Review status: criteria provided, single submitter. Criteria: Dines et al. (Genet Med. 2020). Collection method: curation. Allele origin: germline.
Comment: Missense variant in a coldspot region where missense variants are very unlikely to be pathogenic (PMID:31911673).

BRCA2 exon 11 coldspot. Reclassification based on statistical prior probability.

Ambry Genetics
Classification: Uncertain significance for Hereditary cancer-predisposing syndrome. Last evaluated: 2017-10-11. Review status: criteria provided, single submitter. Criteria: Ambry Variant Classification Scheme 2023. Collection method: clinical testing. Allele origin: germline.
Comment: The p.Y1135D variant (also known as c.3403T>G), located in coding exon 10 of the BRCA2 gene, results from a T to G substitution at nucleotide position 3403. The tyrosine at codon 1135 is replaced by aspartic acid, an amino acid with highly dissimilar properties. This amino acid position is poorly conserved in available vertebrate species. In addition, this alteration is predicted to be tolerated by in silico analysis. Since supporting evidence is limited at this time, the clinical significance of this alteration remains unclear.

Women's Health and Genetics/Laboratory Corporation of America, LabCorp
Classification: Uncertain significance. Last evaluated: 2016-04-22. Review status: criteria provided, single submitter. Criteria: LabCorp Variant Classification Summary - May 2015. Collection method: clinical testing. Allele origin: germline.
Comment: Variant summary: The c.3403T>G variant affects a non-conserved nucleotide, resulting in amino acid change from Tyr to Asp. 3/5 in-silico tools predict this variant to be damaging. This variant is not found in 120770 control chromosomes. The variant of interest has not, to our knowledge, been reported in affected individuals via publications and/or reputable databases/clinical laboratories; nor evaluated for functional impact by in vivo/vitro studies. Because of the absence of clinical information and the lack of functional studies, the variant was classified as a variant of uncertain significance (VUS) until additional information becomes available.

NM_000059.4(BRCA2):c.3403T>G (p.Tyr1135Asp)

Gene: BRCA2 (BRCA2 DNA repair associated; plus strand). Cytogenetic location: 13q13.1.
Variant type: single nucleotide variant.
Coding change: c.3403T>G on transcript NM_000059.4 (MANE Select); coding-DNA position 3403, T replaced by G.
Protein change: p.Tyr1135Asp; replaces tyrosine 1135 with aspartic acid.
Molecular consequence: missense variant.
Genome position (GRCh38, 1-based): chr13:32,337,758, T>G. VCF-style: chr13-32337758-T-G. GRCh37 (hg19) VCF-style: chr13-32911895-T-G.
Other names: short protein forms Y1135D.
Identifiers: ClinVar variation 495451 (VCV000495451.5), dbSNP rs80358583, ClinGen allele CA387776475.
Genomic context (GRCh38, chr13:32,337,758, plus strand): 5'-TCTACTATATTAGAAGAATCAGGAAGTCAGTTTGAATTTACTCAGTTTAGAAAACCAAGC[T>G]ACATATTGCAGAAGAGTACATTTGAAGTGCCTGAAAACCAGATGACTATCTTAAAGACCA-3'
Protein context (NP_000050.3, residues 1125-1145): FEFTQFRKPS[Tyr1135Asp]ILQKSTFEVP